The following is an entry in ClinVar:

NM_001292063.2(OTOG):c.2905_2924del (p.Pro969fs)

Gene: OTOG (otogelin; plus strand). Cytogenetic location: 11p15.1.
Variant type: Deletion.
Coding change: c.2905_2924del on transcript NM_001292063.2 (MANE Select); coding-DNA positions 2905 to 2924, 20 bases deleted (CCTTGCGCCTCCACCTGCAC).
Protein change: p.Pro969fs; shifts the reading frame from proline 969.
Molecular consequence: frameshift variant.
Genome position (GRCh38, 1-based): chr11:17,591,487-17,591,506, CCTTGCGCCTCCACCTGCAC deleted; deleting any 20 consecutive bases within chr11:17,591,480-17,591,506 gives the same sequence; the c. name uses the placement nearest the transcript's 3' end. VCF-style (leftmost placement, unchanged base first): chr11-17591479-CCCTGCACCCTTGCGCCTCCA-C. GRCh37 (hg19) VCF-style: chr11-17613026-CCCTGCACCCTTGCGCCTCCA-C.
Other names: c.2941_2960del, p.Pro981fs (NM_001277269.2); short protein forms P969fs, P981fs.
Identifiers: ClinVar variation 4850117 (VCV004850117.1).
Genomic context (GRCh38, chr11:17,591,479, plus strand): 5'-CTGTGATCTGGTCTGGGCATGTGTTTTTCAGTGTGTGCCAGCGGGGCTCATTCCAGTGCA[CCCTGCACCCTTGCGCCTCCA>C]CCTGCACTGCCTATGGGGACCGGCATTACCGCACGTTTGATGGGCTCCCGTTTGACTTCG-3'

ClinVar aggregate classification (germline): Likely pathogenic (1 of 4 stars; one submission).

Conditions:
Autosomal recessive nonsyndromic hearing loss 18B. Also called: Deafness, autosomal recessive 18b. Identifiers: Orphanet 90636, MedGen C3554163, MONDO:0013985, OMIM 614945.

Submission:

Variantyx, Inc.
Classification: Likely pathogenic for Autosomal recessive nonsyndromic hearing loss 18B. Last evaluated: 2025-10-14. Review status: criteria provided, single submitter. Criteria: Variantyx Assertion Criteria 2022. Collection method: clinical testing. Allele origin: germline. Inheritance: Autosomal recessive inheritance. Affected: no.
Comment: This is a frameshift variant in the OTOG gene (OMIM: 604487). Pathogenic variants in this gene have been associated with autosomal recessive deafness 18B. This variant introduces a premature termination codon in exon 25 out of 56 and is expected to result in loss of function, which is a known disease mechanism for OTOG in this disorder (PVS1) (PMID:23122587). This variant is absent from control populations (PM2) and it has not been reported in individuals with OTOG-related disorders in the databases available for review. Based on the current evidence, this variant is classified as likely pathogenic for autosomal recessive deafness 18B.

Literature cited by the submitters: PubMed 23122587.